The following is an entry in ClinVar:

ClinVar aggregate classification (germline): Uncertain significance (1 of 4 stars; one submission).

Conditions:
Combined immunodeficiency due to LRBA deficiency. Also called: Common variable immunodeficiency 8, with autoimmunity. Identifiers: Orphanet 445018, MedGen C3553512, MONDO:0013863, OMIM 614700.

Submission:

Labcorp Genetics (formerly Invitae), Labcorp
Classification: Uncertain significance for Combined immunodeficiency due to LRBA deficiency. Last evaluated: 2025-09-14. Review status: criteria provided, single submitter. Criteria: Invitae Variant Classification Sherloc (09022015). Collection method: clinical testing. Allele origin: germline.
Comment: This sequence change replaces methionine, which is neutral and non-polar, with valine, which is neutral and non-polar, at codon 1888 of the LRBA protein (p.Met1888Val). This variant is present in population databases (rs770020053, gnomAD 0.02%). This variant has not been reported in the literature in individuals affected with LRBA-related conditions. Invitae Evidence Modeling of protein sequence and biophysical properties (such as structural, functional, and spatial information, amino acid conservation, physicochemical variation, residue mobility, and thermodynamic stability) has been performed for this missense variant. However, the output from this modeling did not meet the statistical confidence thresholds required to predict the impact of this variant on LRBA protein function. In summary, the available evidence is currently insufficient to determine the role of this variant in disease. Therefore, it has been classified as a Variant of Uncertain Significance.

NM_001364905.1(LRBA):c.5662A>G (p.Met1888Val)

Gene: LRBA (LPS responsive beige-like anchor protein; minus strand). Cytogenetic location: 4q31.3.
Variant type: single nucleotide variant.
Coding change: c.5662A>G on transcript NM_001364905.1 (MANE Select); coding-DNA position 5662, A replaced by G.
Protein change: p.Met1888Val; replaces methionine 1888 with valine.
Molecular consequence: missense variant.
Genome position (GRCh38, 1-based): chr4:150,735,350, T>C on the plus strand (A>G on the coding strand, the complement: LRBA is on the minus strand). VCF-style: chr4-150735350-T-C. GRCh37 (hg19) VCF-style: chr4-151656502-T-C.
Other names: c.5662A>G, p.Met1888Val (NM_001199282.3, NM_001367550.1, NM_001440430.1 and 2 more transcripts); short protein forms M1888V.
Identifiers: ClinVar variation 4738727 (VCV004738727.1).
Genomic context (GRCh38, chr4:150,735,350, plus strand): 5'-CTCTCTGCCTGCTCAGGATAAATTCAGCTTCATTTGCTACTCTTACTAGATGATCCTTCA[T>C]TGTCTGGCTAAGCAACCTGTAAGAAATGAATGTTATCAAATAAATATATGTATACACACA-3'
Protein context (NP_001351834.1, residues 1878-1898): VNEGRLLSQT[Met1888Val]KDHLVRVANE